The following is an entry in ClinVar:

ClinVar aggregate classification (germline): Uncertain significance (1 of 4 stars; one submission).

Conditions:
Inborn genetic diseases. Identifiers: MedGen C0950123, MeSH D030342.

Submission:

Ambry Genetics
Classification: Uncertain significance for Inborn genetic diseases. Last evaluated: 2023-07-27. Review status: criteria provided, single submitter. Criteria: Ambry Variant Classification Scheme 2023. Collection method: clinical testing. Allele origin: germline.
Comment: The p.D726Y variant (also known as c.2176G>T), located in coding exon 14 of the EPAS1 gene, results from a G to T substitution at nucleotide position 2176. The aspartic acid at codon 726 is replaced by tyrosine, an amino acid with highly dissimilar properties. This amino acid position is conserved. In addition, this alteration is predicted to be tolerated by in silico analysis. Since supporting evidence is limited at this time, the clinical significance of this alteration remains unclear.

NM_001430.5(EPAS1):c.2176G>T (p.Asp726Tyr)

Gene: EPAS1 (endothelial PAS domain protein 1; plus strand). Cytogenetic location: 2p21.
Variant type: single nucleotide variant.
Coding change: c.2176G>T on transcript NM_001430.5 (MANE Select); coding-DNA position 2176, G replaced by T.
Protein change: p.Asp726Tyr; replaces aspartic acid 726 with tyrosine.
Molecular consequence: missense variant.
Genome position (GRCh38, 1-based): chr2:46,381,978, G>T. VCF-style: chr2-46381978-G-T. GRCh37 (hg19) VCF-style: chr2-46609117-G-T.
Other names: short protein forms D726Y.
Identifiers: ClinVar variation 2626653 (VCV002626653.2), dbSNP rs773396800, ClinGen allele CA346705700.
Genomic context (GRCh38, chr2:46,381,978, plus strand): 5'-TCTGGGGACCTGGTTCTCTGGCCATTTCCCCTTTCCATCTGCCCTTCTTACTCCCAGGGG[G>T]ACCCACCTGGTGGCAGCACCTCACATTTGATGTGGAAACGGATGAAGAACCTCAGGGGTG-3'
Protein context (NP_001421.2, residues 716-736): EQAFQDLSGG[Asp726Tyr]PPGGSTSHLM